The following is an entry in ClinVar:

ClinVar aggregate classification (germline): Uncertain significance (1 of 4 stars; one submission).

gnomAD v4.1: 1 of 1,613,888 alleles (0.000062%); highest among the groups gnomAD compares: East Asian, 0.0022%; no homozygotes.

Submission:

Labcorp Genetics (formerly Invitae), Labcorp
Classification: Uncertain significance. Last evaluated: 2022-03-10. Review status: criteria provided, single submitter. Criteria: Invitae Variant Classification Sherloc (09022015). Collection method: clinical testing. Allele origin: germline.
Comment: This sequence change replaces alanine, which is neutral and non-polar, with threonine, which is neutral and polar, at codon 297 of the ADGRG1 protein (p.Ala297Thr). This variant is not present in population databases (gnomAD no frequency). This variant has not been reported in the literature in individuals affected with ADGRG1-related conditions. Advanced modeling of protein sequence and biophysical properties (such as structural, functional, and spatial information, amino acid conservation, physicochemical variation, residue mobility, and thermodynamic stability) performed at Invitae indicates that this missense variant is not expected to disrupt ADGRG1 protein function. In summary, the available evidence is currently insufficient to determine the role of this variant in disease. Therefore, it has been classified as a Variant of Uncertain Significance.

NM_201525.4(ADGRG1):c.889G>A (p.Ala297Thr)

Gene: ADGRG1 (adhesion G protein-coupled receptor G1; plus strand). Cytogenetic location: 16q21.
Variant type: single nucleotide variant.
Coding change: c.889G>A on transcript NM_201525.4 (MANE Select); coding-DNA position 889, G replaced by A.
Protein change: p.Ala297Thr; replaces alanine 297 with threonine.
Molecular consequence: missense variant.
Genome position (GRCh38, 1-based): chr16:57,655,519, G>A. VCF-style: chr16-57655519-G-A. GRCh37 (hg19) VCF-style: chr16-57689431-G-A.
Other names: c.889G>A, p.Ala297Thr (NM_001145770.3, NM_001145771.3, NM_001145772.3 and 16 more transcripts); c.904G>A, p.Ala302Thr (NM_001145773.3, NM_001370433.1); c.379G>A, p.Ala127Thr (NM_001290142.2); c.364G>A, p.Ala122Thr (NM_001290143.2, NM_001290144.2, NM_001370451.1 and 2 more transcripts); c.733G>A, p.Ala245Thr (NM_001370442.1); short protein forms A245T, A122T, A127T, A297T, A302T.
Identifiers: ClinVar variation 1435080 (VCV001435080.3), dbSNP rs770271941, ClinGen allele CA396047369.
Genomic context (GRCh38, chr16:57,655,519, plus strand): 5'-ACGAAAGGCCGGAGCGGGGAGGCTGAGAAGAGACTCCTCCTGGTGGACTTCAGCAGCCAA[G>A]CCCTGTTCCAGGTATGGGGTCCTCACCCTCATGCCTCCCAGGAGAAAGCAGTTTTTTTCT-3'
Protein context (NP_958933.1, residues 287-307): RLLLVDFSSQ[Ala297Thr]LFQDKNSSQV